The following is an entry in ClinVar:

ClinVar aggregate classification (germline): Uncertain significance (1 of 4 stars; one submission).

Conditions:
Hypokalemic periodic paralysis, type 1. Also called: Hypokalemic Periodic Paralysis Type 1 (AD); HypoPP. Identifiers: Orphanet 681, MedGen C3714580, MONDO:0042979, OMIM 170400.
Malignant hyperthermia, susceptibility to, 5 (MHS5). Also called: CACNA1S-Related Malignant Hyperthermia Susceptibility. Identifiers: Orphanet 423, MedGen C1866077, MONDO:0011163, OMIM 601887.

Allele frequency attached by ClinVar (database versions not stated): gnomAD exomes below 0.00001.
gnomAD v4.1: 1 of 1,614,096 alleles (0.000062%); highest among the groups gnomAD compares: Non-Finnish European, 0.000085%; no homozygotes.

Submission:

Labcorp Genetics (formerly Invitae), Labcorp
Classification: Uncertain significance for Hypokalemic periodic paralysis, type 1; Malignant hyperthermia, susceptibility to, 5. Last evaluated: 2019-01-14. Review status: criteria provided, single submitter. Criteria: Invitae Variant Classification Sherloc (09022015). Collection method: clinical testing. Allele origin: germline.
Comment: In summary, the available evidence is currently insufficient to determine the role of this variant in disease. Therefore, it has been classified as a Variant of Uncertain Significance. Algorithms developed to predict the effect of missense changes on protein structure and function output the following: SIFT: "Tolerated"; PolyPhen-2: "Benign"; Align-GVGD: "Class C0". The isoleucine amino acid residue is found in multiple mammalian species, suggesting that this missense change does not adversely affect protein function. These predictions have not been confirmed by published functional studies and their clinical significance is uncertain. This variant has not been reported in the literature in individuals with CACNA1S-related conditions. This variant is not present in population databases (ExAC no frequency). This sequence change replaces valine with isoleucine at codon 848 of the CACNA1S protein (p.Val848Ile). The valine residue is highly conserved and there is a small physicochemical difference between valine and isoleucine.

NM_000069.3(CACNA1S):c.2542G>A (p.Val848Ile)

Gene: CACNA1S (calcium voltage-gated channel subunit alpha1 S; minus strand). Cytogenetic location: 1q32.1.
Variant type: single nucleotide variant.
Coding change: c.2542G>A on transcript NM_000069.3 (MANE Select); coding-DNA position 2542, G replaced by A.
Protein change: p.Val848Ile; replaces valine 848 with isoleucine.
Molecular consequence: missense variant.
Genome position (GRCh38, 1-based): chr1:201,069,145, C>T on the plus strand (G>A on the coding strand, the complement: CACNA1S is on the minus strand). VCF-style: chr1-201069145-C-T. GRCh37 (hg19) VCF-style: chr1-201038273-C-T.
Other names: short protein forms V848I.
Identifiers: ClinVar variation 862625 (VCV000862625.10), dbSNP rs1661358358, ClinGen allele CA344105661.